The following is an entry in ClinVar:

NM_003680.4(YARS1):c.457G>A (p.Val153Ile)

Gene: YARS1 (tyrosyl-tRNA synthetase 1; minus strand). Cytogenetic location: 1p35.1.
Variant type: single nucleotide variant.
Coding change: c.457G>A on transcript NM_003680.4 (MANE Select); coding-DNA position 457, G replaced by A.
Protein change: p.Val153Ile; replaces valine 153 with isoleucine.
Molecular consequence: missense variant.
Genome position (GRCh38, 1-based): chr1:32,806,535, C>T on the plus strand (G>A on the coding strand, the complement: YARS1 is on the minus strand). VCF-style: chr1-32806535-C-T. GRCh37 (hg19) VCF-style: chr1-33272136-C-T.
Other names: short protein forms V153I.
Identifiers: ClinVar variation 1799780 (VCV001799780.5), dbSNP rs2523426648, ClinGen allele CA339686810.

ClinVar aggregate classification (germline): Uncertain significance. Review status: criteria provided, multiple submitters, no conflicts (2 of 4 stars). 2 submissions from 2 submitters: Uncertain significance (2). Last evaluated 2025-06-09.

Conditions:
Inborn genetic diseases. Identifiers: MedGen C0950123, MeSH D030342.
Charcot-Marie-Tooth disease dominant intermediate C (CMTDIC). Also called: CHARCOT-MARIE-TOOTH NEUROPATHY, DOMINANT INTERMEDIATE C. Identifiers: Orphanet 100045, MedGen C1842237, MONDO:0012012, OMIM 608323.

Allele frequency attached by ClinVar (database versions not stated): gnomAD exomes below 0.00001.

Submissions (2):

Labcorp Genetics (formerly Invitae), Labcorp
Classification: Uncertain significance for Charcot-Marie-Tooth disease dominant intermediate C. Last evaluated: 2025-06-09. Review status: criteria provided, single submitter. Criteria: Invitae Variant Classification Sherloc (09022015). Collection method: clinical testing. Allele origin: germline.
Comment: This sequence change replaces valine, which is neutral and non-polar, with isoleucine, which is neutral and non-polar, at codon 153 of the YARS protein (p.Val153Ile). This variant is not present in population databases (gnomAD no frequency). This variant has not been reported in the literature in individuals affected with YARS-related conditions. ClinVar contains an entry for this variant (Variation ID: 1799780). Invitae Evidence Modeling of protein sequence and biophysical properties (such as structural, functional, and spatial information, amino acid conservation, physicochemical variation, residue mobility, and thermodynamic stability) indicates that this missense variant is expected to disrupt YARS protein function with a positive predictive value of 80%. In summary, the available evidence is currently insufficient to determine the role of this variant in disease. Therefore, it has been classified as a Variant of Uncertain Significance.

Ambry Genetics
Classification: Uncertain significance for Inborn genetic diseases. Last evaluated: 2021-12-16. Review status: criteria provided, single submitter. Criteria: Ambry Variant Classification Scheme 2023. Collection method: clinical testing. Allele origin: germline.
Comment: The p.V153I variant (also known as c.457G>A), located in coding exon 4 of the YARS gene, results from a G to A substitution at nucleotide position 457. The valine at codon 153 is replaced by isoleucine, an amino acid with highly similar properties. This amino acid position is conserved. In addition, this alteration is predicted to be tolerated by in silico analysis. Since supporting evidence is limited at this time, the clinical significance of this alteration remains unclear.